The following is an entry in ClinVar:

NM_000540.3(RYR1):c.8818G>C (p.Gly2940Arg)

Gene: RYR1 (ryanodine receptor 1; plus strand). Cytogenetic location: 19q13.2.
Variant type: single nucleotide variant.
Coding change: c.8818G>C on transcript NM_000540.3 (MANE Select); coding-DNA position 8818, G replaced by C.
Protein change: p.Gly2940Arg; replaces glycine 2940 with arginine.
Molecular consequence: missense variant.
Genome position (GRCh38, 1-based): chr19:38,507,713, G>C. VCF-style: chr19-38507713-G-C. GRCh37 (hg19) VCF-style: chr19-38998353-G-C.
Other names: c.8818G>C, p.Gly2940Arg (NM_001042723.2); short protein forms G2940R.
Identifiers: ClinVar variation 4759152 (VCV004759152.1).

ClinVar aggregate classification (germline): Uncertain significance (1 of 4 stars; one submission).

Conditions:
Malignant hyperthermia, susceptibility to, 1 (MHS1). Also called: RYR1-Related Malignant Hyperthermia Susceptibility; Malignant hyperthermia suceptibility 1; Anesthesia related hyperthermia; Malignant hyperpyrexia; Fulminating hyperpyrexia; Pharmacogenic myopathy. Identifiers: Orphanet 423, MedGen C2930980, MONDO:0007783, OMIM 145600.

gnomAD v4.1: 2 of 1,595,824 alleles (0.00013%); highest among the groups gnomAD compares: Non-Finnish European, 0.00017%; no homozygotes.

Submission:

Color Diagnostics, LLC DBA Color Health
Classification: Uncertain significance for Malignant hyperthermia, susceptibility to, 1. Last evaluated: 2023-08-09. Review status: criteria provided, single submitter. Criteria: ACMG Guidelines, 2015. Collection method: clinical testing. Allele origin: germline.
Comment: This missense variant replaces glycine with arginine at codon 2940 of the RYR1 protein. Computational prediction suggests that this variant may have deleterious impact on protein structure and function. To our knowledge, functional studies have not been reported for this variant. This variant has not been reported in individuals affected with RYR1-related disorders in the literature. This variant has not been identified in the general population by the Genome Aggregation Database (gnomAD). The available evidence is insufficient to determine the role of this variant in disease conclusively. Therefore, this variant is classified as a Variant of Uncertain Significance.